The following is an entry in ClinVar:

ClinVar aggregate classification (germline): Uncertain significance (1 of 4 stars; one submission).

Conditions:
Inborn genetic diseases. Identifiers: MedGen C0950123, MeSH D030342.

Allele frequency attached by ClinVar (database versions not stated): TOPMed below 0.00001; gnomAD 0.00001; ExAC 0.00002; gnomAD exomes 0.00003; ESP Exome Variant Server 0.00008; 1000 Genomes Project 30x 0.00016; 1000 Genomes Project 0.00020.
gnomAD v4.1: 40 of 1,588,198 alleles (0.0025%); highest among the groups gnomAD compares: Non-Finnish European, 0.0032%; no homozygotes.

Submission:

Ambry Genetics
Classification: Uncertain significance for Inborn genetic diseases. Last evaluated: 2021-08-26. Review status: criteria provided, single submitter. Criteria: Ambry Variant Classification Scheme 2023. Collection method: clinical testing. Allele origin: germline.
Comment: The p.I522V variant (also known as c.1564A>G) is located in coding exon 12 of the KRIT1 gene. The isoleucine at codon 522 is replaced by valine, an amino acid with highly similar properties. This change occurs in the first base pair of coding exon 12. This amino acid position is conserved. In addition, this alteration is predicted to be tolerated by in silico analysis. Since supporting evidence is limited at this time, the clinical significance of this alteration remains unclear.

NM_194454.3(KRIT1):c.1564A>G (p.Ile522Val)

Gene: KRIT1 (KRIT1 ankyrin repeat containing; minus strand). Cytogenetic location: 7q21.2.
Variant type: single nucleotide variant.
Coding change: c.1564A>G on transcript NM_194454.3 (MANE Select); coding-DNA position 1564, A replaced by G.
Protein change: p.Ile522Val; replaces isoleucine 522 with valine.
Molecular consequence: missense variant.
Genome position (GRCh38, 1-based): chr7:92,214,777, T>C on the plus strand (A>G on the coding strand, the complement: KRIT1 is on the minus strand). VCF-style: chr7-92214777-T-C. GRCh37 (hg19) VCF-style: chr7-91844091-T-C.
Other names: c.1420A>G, p.Ile474Val (NM_001013406.2, NM_001350669.1, NM_001350670.1); c.850A>G, p.Ile284Val (NM_001350671.1); c.1564A>G, p.Ile522Val (NM_001350672.1, NM_001350673.1, NM_001350674.1 and 26 more transcripts); short protein forms I522V, I284V, I474V.
Identifiers: ClinVar variation 1775329 (VCV001775329.2), dbSNP rs149975731, ClinGen allele CA4339074.